The following is an entry in ClinVar:

ClinVar aggregate classification (germline): Likely benign. Review status: criteria provided, multiple submitters, no conflicts (2 of 4 stars). 2 submissions from 2 submitters: Likely benign (2). Last evaluated 2025-09-22.

gnomAD v4.1: 41 of 1,596,712 alleles (0.0026%); highest among the groups gnomAD compares: Non-Finnish European, 0.0033%; no homozygotes.

Submissions (2):

Mayo Clinic Laboratories, Mayo Clinic
Classification: Likely benign. Last evaluated: 2025-09-22. Review status: criteria provided, single submitter. Criteria: ACMG Guidelines, 2015. Collection method: clinical testing. Allele origin: germline. Observed: 2 variant alleles.
Comment: BP4, BP7, PM2_moderate

Labcorp Genetics (formerly Invitae), Labcorp
Classification: Likely benign. Last evaluated: 2024-09-05. Review status: criteria provided, single submitter. Criteria: Invitae Variant Classification Sherloc (09022015). Collection method: clinical testing. Allele origin: germline.

NM_001002010.5(NT5C3A):c.519C>T (p.Asp173=)

Gene: NT5C3A (5'-nucleotidase, cytosolic IIIA; minus strand). Cytogenetic location: 7p14.3.
Variant type: single nucleotide variant.
Coding change: c.519C>T on transcript NM_001002010.5 (MANE Select); coding-DNA position 519, C replaced by T.
Protein change: p.Asp173=; no amino-acid change (aspartic acid 173 retained).
Molecular consequence: synonymous variant.
Genome position (GRCh38, 1-based): chr7:33,019,646, G>A on the plus strand (C>T on the coding strand, the complement: NT5C3A is on the minus strand). VCF-style: chr7-33019646-G-A. GRCh37 (hg19) VCF-style: chr7-33059258-G-A.
Other names: p.Asp173=; c.417C>T, p.Asp139= (NM_001002009.3, NM_016489.14); c.381C>T, p.Asp127= (NM_001166118.3, NM_001356996.3, NM_001374336.1 and 1 more transcripts); c.420C>T, p.Asp140= (NM_001374335.1); c.519C>T, p.Asp173= (NM_001374338.1); c.318C>T, p.Asp106= (NM_001374339.1); c.519C>T (NM_001002010.4).
Identifiers: ClinVar variation 3636153 (VCV003636153.3).